The following is an entry in ClinVar:

ClinVar aggregate classification (germline): Uncertain significance (1 of 4 stars; one submission).

Conditions:
Proteosome-associated autoinflammatory syndrome. Also called: Proteasome-associated autoinflammatory syndrome. Identifiers: Orphanet 324977, MedGen C1850568, MONDO:0009726.

Submission:

Labcorp Genetics (formerly Invitae), Labcorp
Classification: Uncertain significance for Proteosome-associated autoinflammatory syndrome. Last evaluated: 2022-05-15. Review status: criteria provided, single submitter. Criteria: Invitae Variant Classification Sherloc (09022015). Collection method: clinical testing. Allele origin: germline.
Comment: This variant has not been reported in the literature in individuals affected with PSMB8-related conditions. In summary, the available evidence is currently insufficient to determine the role of this variant in disease. Therefore, it has been classified as a Variant of Uncertain Significance. This variant is present in population databases (no rsID available, gnomAD 0.003%). This sequence change disrupts the translational stop signal of the PSMB8 mRNA. It is expected to extend the length of the PSMB8 protein by 18 additional amino acid residues.

NM_148919.4(PSMB8):c.826_*1del (p.Gln276fs)

Gene: PSMB8 (proteasome 20S subunit beta 8; minus strand). Cytogenetic location: 6p21.32.
Variant type: Deletion.
Coding change: c.826_*1del on transcript NM_148919.4 (MANE Select); coding-DNA position 826 through 1 bases downstream of the stop codon, 7 bases deleted (CAATAAT; older notation c.826_*1delCAATAAT).
Protein change: p.Gln276fs; shifts the reading frame from glutamine 276.
Molecular consequence: frameshift variant.
Genome position (GRCh38, 1-based): chr6:32,840,958-32,840,964, ATTATTG deleted on the plus strand (CAATAAT on the coding strand, the reverse complement: PSMB8 is on the minus strand); deleting any 7 consecutive bases within chr6:32,840,958-32,840,967 gives the same sequence; the c. name uses the placement nearest the transcript's 3' end. VCF-style (leftmost placement, unchanged base first): chr6-32840957-CATTATTG-C. GRCh37 (hg19) VCF-style: chr6-32808734-CATTATTG-C.
Other names: c.814_*1del, p.Gln272fs (NM_004159.5); short protein forms Q276fs, Q272fs.
Identifiers: ClinVar variation 1994621 (VCV001994621.4), dbSNP rs1431861672, ClinGen allele CA566398432.
Genomic context (GRCh38, chr6:32,840,957, plus strand): 5'-CTTAGGTCCCTGAGTCGGCCAAGACCTCCCAGAGGAGACCTGCCCAGCTGCCACCACCAC[CATTATTG>C]ATTGGCTTCCCGGTACTGGTGCAGCAGGTCACTGACATCTGTACTTTCTACTTTCACCCA-3'